The following is an entry in ClinVar:

NM_002700.3(POU4F3):c.514G>T (p.Ala172Ser)

Genes: POU4F3 (POU class 4 homeobox 3; plus strand), RBM27-POU4F3 (RBM27-POU4F3 readthrough; plus strand). Cytogenetic location: 5q32.
Variant type: single nucleotide variant.
Coding change: c.514G>T on transcript NM_002700.3 (MANE Select); coding-DNA position 514, G replaced by T.
Protein change: p.Ala172Ser; replaces alanine 172 with serine.
Molecular consequence: missense variant. On other transcripts: 3 prime UTR variant (1).
Genome position (GRCh38, 1-based): chr5:146,339,941, G>T. VCF-style: chr5-146339941-G-T. GRCh37 (hg19) VCF-style: chr5-145719504-G-T.
Other names: c.*383G>T (NM_001414499.1); short protein forms A172S.
Identifiers: ClinVar variation 2361770 (VCV002361770.4), dbSNP rs763147341, ClinGen allele CA3491153.

ClinVar aggregate classification (germline): Uncertain significance. Review status: criteria provided, multiple submitters, no conflicts (2 of 4 stars). 2 submissions from 2 submitters: Uncertain significance (2). Last evaluated 2024-11-29.

Conditions:
Inborn genetic diseases. Identifiers: MedGen C0950123, MeSH D030342.

Allele frequency attached by ClinVar (database versions not stated): TOPMed 0.00001; ExAC 0.00002.
gnomAD v4.1: 16 of 1,610,764 alleles (0.00099%); highest among the groups gnomAD compares: Middle Eastern, 0.016%; no homozygotes.

Submissions (2):

Labcorp Genetics (formerly Invitae), Labcorp
Classification: Uncertain significance. Last evaluated: 2024-11-29. Review status: criteria provided, single submitter. Criteria: Invitae Variant Classification Sherloc (09022015). Collection method: clinical testing. Allele origin: germline.
Comment: This sequence change replaces alanine, which is neutral and non-polar, with serine, which is neutral and polar, at codon 172 of the POU4F3 protein (p.Ala172Ser). This variant is present in population databases (rs763147341, gnomAD 0.003%). This variant has not been reported in the literature in individuals affected with POU4F3-related conditions. ClinVar contains an entry for this variant (Variation ID: 2361770). Invitae Evidence Modeling of protein sequence and biophysical properties (such as structural, functional, and spatial information, amino acid conservation, physicochemical variation, residue mobility, and thermodynamic stability) indicates that this missense variant is not expected to disrupt POU4F3 protein function with a negative predictive value of 80%. In summary, the available evidence is currently insufficient to determine the role of this variant in disease. Therefore, it has been classified as a Variant of Uncertain Significance.

Ambry Genetics
Classification: Uncertain significance for Inborn genetic diseases. Last evaluated: 2022-05-18. Review status: criteria provided, single submitter. Criteria: Ambry Variant Classification Scheme 2023. Collection method: clinical testing. Allele origin: germline.